The following is an entry in ClinVar:

NM_015160.3(PMPCA):c.20C>A (p.Ala7Glu)

Gene: PMPCA (peptidase, mitochondrial processing subunit alpha; plus strand). Cytogenetic location: 9q34.3.
Variant type: single nucleotide variant.
Coding change: c.20C>A on transcript NM_015160.3 (MANE Select); coding-DNA position 20, C replaced by A.
Protein change: p.Ala7Glu; replaces alanine 7 with glutamic acid.
Molecular consequence: missense variant. On other transcripts: 5 prime UTR variant (2).
Genome position (GRCh38, 1-based): chr9:136,410,688, C>A. VCF-style: chr9-136410688-C-A. GRCh37 (hg19) VCF-style: chr9-139305140-C-A.
Other names: p.Ala7Glu; c.-279C>A (NM_001282944.2, NM_001282946.2); c.20C>A (NM_015160.2); short protein forms A7E.
Identifiers: ClinVar variation 1665005 (VCV001665005.26), dbSNP rs149055087, ClinGen allele CA5335799.

ClinVar aggregate classification (germline): Benign. Review status: criteria provided, multiple submitters, no conflicts (2 of 4 stars). 5 submissions from 5 submitters: Benign (4). 1 of the submissions does not count toward it. Last evaluated 2026-09-01.

Conditions:
PMPCA-related disorder. Also called: PMPCA-related condition.

Allele frequency attached by ClinVar (database versions not stated): 1000 Genomes Project 0.00399; 1000 Genomes Project 30x 0.00500; ESP Exome Variant Server 0.01102.

Submissions (5):

CeGaT Center for Human Genetics Tuebingen
Classification: Benign. Last evaluated: 2026-09-01. Review status: criteria provided, single submitter. Criteria: CeGaT Center For Human Genetics Tuebingen Variant Classification Criteria Version 2. Collection method: clinical testing. Allele origin: germline. Affected: yes. Observed: 47 variant alleles.
Comment: PMPCA: BS1, BS2

Labcorp Genetics (formerly Invitae), Labcorp
Classification: Benign. Last evaluated: 2026-01-19. Review status: criteria provided, single submitter. Criteria: Invitae Variant Classification Sherloc (09022015). Collection method: clinical testing. Allele origin: germline.

Mayo Clinic Laboratories, Mayo Clinic
Classification: Benign. Last evaluated: 2023-01-04. Review status: criteria provided, single submitter. Criteria: ACMG Guidelines, 2015. Collection method: clinical testing. Allele origin: germline. Observed: 21 variant alleles.
Comment: BS1, BS2, BP4

Breakthrough Genomics
Classification: Benign. Review status: criteria provided, single submitter. Criteria: ACMG Guidelines, 2015. Collection method: not provided. Allele origin: germline. Inheritance: Autosomal recessive inheritance. Affected: yes.

PreventionGenetics, part of Exact Sciences
Classification: Benign for PMPCA-related condition. Last evaluated: 2019-07-08. Review status: no assertion criteria provided. Collection method: clinical testing. Allele origin: germline. Not counted in ClinVar's aggregate classification.
Comment: This variant is classified as benign based on ACMG/AMP sequence variant interpretation guidelines (Richards et al. 2015 PMID: 25741868, with internal and published modifications).